The following is an entry in ClinVar:

ClinVar aggregate classification (germline): Uncertain significance (1 of 4 stars; one submission).

Conditions:
RASopathy. Also called: rasopathies; Noonan spectrum disorder. Identifiers: Orphanet 536391, MedGen C5555857, MONDO:0021060.

Submission:

Labcorp Genetics (formerly Invitae), Labcorp
Classification: Uncertain significance for RASopathy. Last evaluated: 2023-02-27. Review status: criteria provided, single submitter. Criteria: Invitae Variant Classification Sherloc (09022015). Collection method: clinical testing. Allele origin: germline.
Comment: This sequence change replaces arginine, which is basic and polar, with lysine, which is basic and polar, at codon 264 of the MAP2K2 protein (p.Arg264Lys). This variant is not present in population databases (gnomAD no frequency). This variant has not been reported in the literature in individuals affected with MAP2K2-related conditions. Advanced modeling of protein sequence and biophysical properties (such as structural, functional, and spatial information, amino acid conservation, physicochemical variation, residue mobility, and thermodynamic stability) performed at Invitae indicates that this missense variant is not expected to disrupt MAP2K2 protein function. In summary, the available evidence is currently insufficient to determine the role of this variant in disease. Therefore, it has been classified as a Variant of Uncertain Significance.

NM_030662.4(MAP2K2):c.791G>A (p.Arg264Lys)

Gene: MAP2K2 (mitogen-activated protein kinase kinase 2; minus strand). Cytogenetic location: 19p13.3.
Variant type: single nucleotide variant.
Coding change: c.791G>A on transcript NM_030662.4 (MANE Select); coding-DNA position 791, G replaced by A.
Protein change: p.Arg264Lys; replaces arginine 264 with lysine.
Molecular consequence: missense variant.
Genome position (GRCh38, 1-based): chr19:4,099,329, C>T on the plus strand (G>A on the coding strand, the complement: MAP2K2 is on the minus strand). VCF-style: chr19-4099329-C-T. GRCh37 (hg19) VCF-style: chr19-4099327-C-T.
Other names: short protein forms R264K.
Identifiers: ClinVar variation 2898952 (VCV002898952.3), dbSNP rs1410896893, ClinGen allele CA403386535.